The following is an entry in ClinVar:

ClinVar aggregate classification (germline): Pathogenic (1 of 4 stars; one submission).

Submission:

Labcorp Genetics (formerly Invitae), Labcorp
Classification: Pathogenic. Last evaluated: 2024-12-12. Review status: criteria provided, single submitter. Criteria: Invitae Variant Classification Sherloc (09022015). Collection method: clinical testing. Allele origin: germline.
Comment: This sequence change creates a premature translational stop signal (p.Glu765Aspfs*16) in the LZTR1 gene. It is expected to result in an absent or disrupted protein product. Loss-of-function variants in LZTR1 are known to be pathogenic (PMID: 24362817, 25335493, 25480913, 25795793, 29469822, 30368668, 30442762, 30442766, 30481304, 30859559). This variant is not present in population databases (gnomAD no frequency). This variant has not been reported in the literature in individuals affected with LZTR1-related conditions. For these reasons, this variant has been classified as Pathogenic.

Literature cited by the submitters: PubMed 24362817; PubMed 25335493; PubMed 25480913; PubMed 25795793; PubMed 29469822; PubMed 30368668; PubMed 30442762; PubMed 30442766; PubMed 30481304; PubMed 30859559.

NM_006767.4(LZTR1):c.2295_2296del (p.Glu765fs)

Gene: LZTR1 (leucine zipper like post translational regulator 1; plus strand). Cytogenetic location: 22q11.21.
Variant type: Microsatellite.
Coding change: c.2295_2296del on transcript NM_006767.4 (MANE Select); coding-DNA positions 2295 to 2296, 2 bases deleted (GA; older notation c.2295_2296delGA).
Protein change: p.Glu765fs; shifts the reading frame from glutamic acid 765.
Molecular consequence: frameshift variant.
Genome position (GRCh38, 1-based): chr22:20,996,771-20,996,772, GA deleted; deleting any 2 consecutive bases within chr22:20,996,769-20,996,772 gives the same sequence; the c. name uses the placement nearest the transcript's 3' end. VCF-style (leftmost placement, unchanged base first): chr22-20996768-GGA-G. GRCh37 (hg19) VCF-style: chr22-21351057-GGA-G.
Other names: short protein forms E765fs.
Identifiers: ClinVar variation 3727168 (VCV003727168.2).
Genomic context (GRCh38, chr22:20,996,768, plus strand): 5'-GGCCCCCTACTACTACGGCTTCTACAACAACCGGCTGCAGGCGTACTGCAAGCAGAACCT[GGA>G]GATGAACGTGACGGTGCAGAACGTGCTGCAGGTAGCCCCCCAGCCCCGTGCACATGGCTG-3'